The following is an entry in ClinVar:

ClinVar aggregate classification (germline): Uncertain significance (1 of 4 stars; one submission).

Allele frequency attached by ClinVar (database versions not stated): gnomAD 0.00001.
gnomAD v4.1: 10 of 1,613,952 alleles (0.00062%); highest among the groups gnomAD compares: Admixed American, 0.0017%; no homozygotes.

Submission:

Labcorp Genetics (formerly Invitae), Labcorp
Classification: Uncertain significance. Last evaluated: 2024-06-16. Review status: criteria provided, single submitter. Criteria: Invitae Variant Classification Sherloc (09022015). Collection method: clinical testing. Allele origin: germline.
Comment: This sequence change replaces arginine, which is basic and polar, with leucine, which is neutral and non-polar, at codon 619 of the NCSTN protein (p.Arg619Leu). This variant is present in population databases (rs201152756, gnomAD 0.003%). This variant has not been reported in the literature in individuals affected with NCSTN-related conditions. ClinVar contains an entry for this variant (Variation ID: 1515396). Advanced modeling of protein sequence and biophysical properties (such as structural, functional, and spatial information, amino acid conservation, physicochemical variation, residue mobility, and thermodynamic stability) performed at Invitae indicates that this missense variant is not expected to disrupt NCSTN protein function with a negative predictive value of 80%. Algorithms developed to predict the effect of sequence changes on RNA splicing suggest that this variant may create or strengthen a splice site. In summary, the available evidence is currently insufficient to determine the role of this variant in disease. Therefore, it has been classified as a Variant of Uncertain Significance.

NM_015331.3(NCSTN):c.1856G>T (p.Arg619Leu)

Gene: NCSTN (nicastrin; plus strand). Cytogenetic location: 1q23.2.
Variant type: single nucleotide variant.
Coding change: c.1856G>T on transcript NM_015331.3 (MANE Select); coding-DNA position 1856, G replaced by T.
Protein change: p.Arg619Leu; replaces arginine 619 with leucine.
Molecular consequence: missense variant. On other transcripts: intron variant (1).
Genome position (GRCh38, 1-based): chr1:160,357,102, G>T. VCF-style: chr1-160357102-G-T. GRCh37 (hg19) VCF-style: chr1-160326892-G-T.
Other names: c.1796G>T, p.Arg599Leu (NM_001290184.2); c.1442G>T, p.Arg481Leu (NM_001290186.2); c.1794+348G>T (NM_001349729.2); short protein forms R481L, R599L, R619L.
Identifiers: ClinVar variation 1515396 (VCV001515396.6), dbSNP rs201152756, ClinGen allele CA31541999.